The following is an entry in ClinVar:

ClinVar aggregate classification (germline): Uncertain significance (1 of 4 stars; one submission).

Conditions:
Severe combined immunodeficiency, autosomal recessive, T cell-negative, B cell-negative, NK cell-positive. Also called: Severe combined immunodeficiency due to complete RAG1/2 deficiency; SCID, T CELL-NEGATIVE, B CELL-NEGATIVE, NK CELL-POSITIVE; SCID, AR, T-cell negative, B-cell negative, NK cell-positive. Identifiers: Orphanet 331206, MedGen C1832322, MONDO:0011086, OMIM 601457.
Combined immunodeficiency with skin granulomas. Identifiers: Orphanet 157949, MedGen C2673536, MONDO:0009306, OMIM 233650.

Submission:

Labcorp Genetics (formerly Invitae), Labcorp
Classification: Uncertain significance for Combined cellular and humoral immune defects with granulomas; Severe combined immunodeficiency, autosomal recessive, T cell-negative, B cell-negative, NK cell-positive. Last evaluated: 2019-07-03. Review status: criteria provided, single submitter. Criteria: Invitae Variant Classification Sherloc (09022015). Collection method: clinical testing. Allele origin: germline.
Comment: This sequence change replaces phenylalanine with leucine at codon 362 of the RAG2 protein (p.Phe362Leu). The phenylalanine residue is weakly conserved and there is a small physicochemical difference between phenylalanine and leucine. This variant is not present in population databases (ExAC no frequency). This variant has not been reported in the literature in individuals with RAG2-related conditions. Algorithms developed to predict the effect of missense changes on protein structure and function output the following: SIFT: "Tolerated"; PolyPhen-2: "Benign"; Align-GVGD: "Class C0". The leucine amino acid residue is found in multiple mammalian species, suggesting that this missense change does not adversely affect protein function. These predictions have not been confirmed by published functional studies and their clinical significance is uncertain. In summary, the available evidence is currently insufficient to determine the role of this variant in disease. Therefore, it has been classified as a Variant of Uncertain Significance.

NM_000536.4(RAG2):c.1086C>G (p.Phe362Leu)

Gene: RAG2 (recombination activating 2; minus strand). Cytogenetic location: 11p12.
Variant type: single nucleotide variant.
Coding change: c.1086C>G on transcript NM_000536.4 (MANE Select); coding-DNA position 1086, C replaced by G.
Protein change: p.Phe362Leu; replaces phenylalanine 362 with leucine.
Molecular consequence: missense variant.
Genome position (GRCh38, 1-based): chr11:36,593,083, G>C on the plus strand (C>G on the coding strand, the complement: RAG2 is on the minus strand). VCF-style: chr11-36593083-G-C. GRCh37 (hg19) VCF-style: chr11-36614633-G-C.
Other names: c.1086C>G, p.Phe362Leu (NM_001243785.2, NM_001243786.2); short protein forms F362L.
Identifiers: ClinVar variation 933511 (VCV000933511.1), dbSNP rs1851061517, ClinGen allele CA380141151.
Genomic context (GRCh38, chr11:36,593,083, plus strand): 5'-TTCAGAGTCTTCAAAGGGAGTGGAATCCCCTGGATCTTCTGTTGATGTTTGACTGTTTGT[G>C]AATGTTGTCTGCTCTTCATTAGTATCATCTTCAGCACATTTCAACATATAGAAATAGAAT-3'
Protein context (NP_000527.2, residues 352-372): EDDTNEEQTT[Phe362Leu]TNSQTSTEDP